The following is an entry in ClinVar:

ClinVar aggregate classification (germline): Conflicting classifications of pathogenicity. Review status: criteria provided, conflicting classifications (1 of 4 stars). 4 submissions from 4 submitters: Uncertain significance (1); Benign (2); Likely benign (1). Last evaluated 2026-01-19.

Conditions:
IDS-related disorder. Also called: IDS-related condition.
Mucopolysaccharidosis, MPS-II (MPS2). Also called: IDS deficiency; Sulfoiduronate sulfatase deficiency; SIDS deficiency; Attenuated MPS (subtype; formerly known as mild MPS II); Severe MPS II; I2S deficiency. Identifiers: Orphanet 580, Orphanet 79388, MedGen C0026705, MONDO:0010674, OMIM 309900.

Allele frequency attached by ClinVar (database versions not stated): gnomAD exomes 0.00004 and 0.00007; gnomAD 0.00010 and 0.00011; ExAC 0.00013; TOPMed 0.00013; ESP Exome Variant Server 0.00019.
gnomAD v4.1: 62 of 1,209,753 alleles (0.0051%); highest among the groups gnomAD compares: East Asian, 0.068%; no homozygotes.

Submissions (4):

Labcorp Genetics (formerly Invitae), Labcorp
Classification: Benign for Mucopolysaccharidosis, MPS-II. Last evaluated: 2026-01-19. Review status: criteria provided, single submitter. Criteria: Invitae Variant Classification Sherloc (09022015). Collection method: clinical testing. Allele origin: germline.

PreventionGenetics, part of Exact Sciences
Classification: Likely benign for IDS-related condition. Last evaluated: 2025-08-27. Review status: criteria provided, single submitter. Criteria: ACMG Guidelines, 2015. Collection method: clinical testing. Allele origin: germline.
Comment: This variant is classified as likely benign based on ACMG/AMP sequence variant interpretation guidelines (Richards et al. 2015 PMID: 25741868, with internal and published modifications).

Revvity Omics, Revvity
Classification: Uncertain significance for Mucopolysaccharidosis, MPS-II. Last evaluated: 2025-05-19. Review status: criteria provided, single submitter. Criteria: ACMG Guidelines, 2015. Collection method: clinical testing. Allele origin: germline.

GeneDx
Classification: Benign. Last evaluated: 2020-08-03. Review status: criteria provided, single submitter. Criteria: GeneDx Variant Classification Process June 2021. Collection method: clinical testing. Allele origin: germline. Affected: yes.
Comment: This variant is associated with the following publications: (PMID: 31877959, 30409495, 31732130, 31477379)

NM_000202.8(IDS):c.1499C>T (p.Thr500Ile)

Gene: IDS (iduronate 2-sulfatase; minus strand). Cytogenetic location: Xq28.
Variant type: single nucleotide variant.
Coding change: c.1499C>T on transcript NM_000202.8 (MANE Select); coding-DNA position 1499, C replaced by T.
Protein change: p.Thr500Ile; replaces threonine 500 with isoleucine.
Molecular consequence: missense variant.
Genome position (GRCh38, 1-based): chrX:149,482,900, G>A on the plus strand (C>T on the coding strand, the complement: IDS is on the minus strand). VCF-style: chrX-149482900-G-A. GRCh37 (hg19) VCF-style: chrX-148564431-G-A.
Other names: c.1229C>T, p.Thr410Ile (NM_001166550.4); c.1499C>T (NM_000202.7); short protein forms T410I, T500I.
Identifiers: ClinVar variation 733589 (VCV000733589.14), dbSNP rs372205468, ClinGen allele CA10537437.